The following is an entry in ClinVar:

ClinVar aggregate classification (germline): Likely benign (1 of 4 stars; one submission).

Conditions:
AQP1-related disorder. Also called: AQP1-related condition.

gnomAD v4.1: 178 of 1,614,024 alleles (0.011%); highest among the groups gnomAD compares: Non-Finnish European, 0.015%; no homozygotes.

Submission:

PreventionGenetics, part of Exact Sciences
Classification: Likely benign for AQP1-related condition. Last evaluated: 2025-08-18. Review status: criteria provided, single submitter. Criteria: ACMG Guidelines, 2015. Collection method: clinical testing. Allele origin: germline.
Comment: This variant is classified as likely benign based on ACMG/AMP sequence variant interpretation guidelines (Richards et al. 2015 PMID: 25741868, with internal and published modifications).

NM_198098.4(AQP1):c.570G>T (p.Gly190=)

Gene: AQP1 (aquaporin 1 (Colton blood group); plus strand). Cytogenetic location: 7p14.3.
Variant type: single nucleotide variant.
Coding change: c.570G>T on transcript NM_198098.4 (MANE Select); coding-DNA position 570, G replaced by T.
Protein change: p.Gly190=; no amino-acid change (glycine 190 retained).
Molecular consequence: synonymous variant.
Genome position (GRCh38, 1-based): chr7:30,922,584, G>T. VCF-style: chr7-30922584-G-T. GRCh37 (hg19) VCF-style: chr7-30962199-G-T.
Other names: c.570G>T, p.Gly190= (NM_001329872.2).
Identifiers: ClinVar variation 4987005 (VCV004987005.1).
Genomic context (GRCh38, chr7:30,922,584, plus strand): 5'-TCTCTGCCTTCGCCCCTCCCTCTGTTTCTTTCCCTCACAGATTGACTACACTGGCTGTGG[G>T]ATTAACCCTGCTCGGTCCTTTGGCTCCGCGGTGATCACACACAACTTCAGCAACCACTGG-3'
Protein context (NP_932766.1, residues 180-200): HLLAIDYTGC[Gly190=]INPARSFGSA